The following is an entry in ClinVar:

ClinVar aggregate classification (germline): Uncertain significance (1 of 4 stars; one submission).

Submission:

Labcorp Genetics (formerly Invitae), Labcorp
Classification: Uncertain significance. Last evaluated: 2024-04-16. Review status: criteria provided, single submitter. Criteria: Invitae Variant Classification Sherloc (09022015). Collection method: clinical testing. Allele origin: germline.
Comment: This sequence change replaces serine, which is neutral and polar, with phenylalanine, which is neutral and non-polar, at codon 570 of the NRXN2 protein (p.Ser570Phe). This variant is not present in population databases (gnomAD no frequency). This variant has not been reported in the literature in individuals affected with NRXN2-related conditions. An algorithm developed to predict the effect of missense changes on protein structure and function (PolyPhen-2) suggests that this variant is likely to be tolerated. In summary, the available evidence is currently insufficient to determine the role of this variant in disease. Therefore, it has been classified as a Variant of Uncertain Significance.

NM_015080.4(NRXN2):c.1802C>T (p.Ser601Phe)

Gene: NRXN2 (neurexin 2; minus strand). Cytogenetic location: 11q13.1.
Variant type: single nucleotide variant.
Coding change: c.1802C>T on transcript NM_015080.4 (MANE Select); coding-DNA position 1802, C replaced by T.
Protein change: p.Ser601Phe; replaces serine 601 with phenylalanine.
Molecular consequence: missense variant.
Genome position (GRCh38, 1-based): chr11:64,661,136, G>A on the plus strand (C>T on the coding strand, the complement: NRXN2 is on the minus strand). VCF-style: chr11-64661136-G-A. GRCh37 (hg19) VCF-style: chr11-64428608-G-A.
Other names: c.1802C>T, p.Ser601Phe (NM_001376262.1); c.1781C>T, p.Ser594Phe (NM_001376263.1, NM_001376267.1); c.1757C>T, p.Ser586Phe (NM_001376265.1); c.1778C>T, p.Ser593Phe (NM_001376266.1); c.1709C>T, p.Ser570Phe (NM_138732.3); short protein forms S570F, S601F, S594F, S586F, S593F.
Identifiers: ClinVar variation 3649862 (VCV003649862.2).